The following is an entry in ClinVar:

ClinVar aggregate classification (germline): Uncertain significance (1 of 4 stars; one submission).

Conditions:
Lymphoproliferative syndrome 2 (LPFS2). Also called: Combined immunodeficiency due to CD27 deficiency; CD27 DEFICIENCY. Identifiers: Orphanet 238505, MedGen C3554540, MONDO:0014054, OMIM 615122.

gnomAD v4.1: 16 of 1,613,966 alleles (0.00099%); highest among the groups gnomAD compares: South Asian, 0.016%; no homozygotes.

Submission:

Labcorp Genetics (formerly Invitae), Labcorp
Classification: Uncertain significance for Lymphoproliferative syndrome 2. Last evaluated: 2025-05-27. Review status: criteria provided, single submitter. Criteria: Invitae Variant Classification Sherloc (09022015). Collection method: clinical testing. Allele origin: germline.
Comment: This sequence change replaces threonine, which is neutral and polar, with isoleucine, which is neutral and non-polar, at codon 77 of the CD27 protein (p.Thr77Ile). This variant is present in population databases (rs771831234, gnomAD 0.01%). This variant has not been reported in the literature in individuals affected with CD27-related conditions. Invitae Evidence Modeling of protein sequence and biophysical properties (such as structural, functional, and spatial information, amino acid conservation, physicochemical variation, residue mobility, and thermodynamic stability) indicates that this missense variant is not expected to disrupt CD27 protein function with a negative predictive value of 80%. In summary, the available evidence is currently insufficient to determine the role of this variant in disease. Therefore, it has been classified as a Variant of Uncertain Significance.

NM_001242.5(CD27):c.230C>T (p.Thr77Ile)

Genes: CD27 (CD27 molecule; plus strand), CD27-AS1 (CD27 antisense RNA 1; minus strand). Cytogenetic location: 12p13.31.
Variant type: single nucleotide variant.
Coding change: c.230C>T on transcript NM_001242.5 (MANE Select); coding-DNA position 230, C replaced by T.
Protein change: p.Thr77Ile; replaces threonine 77 with isoleucine.
Molecular consequence: missense variant. On other transcripts: 5 prime UTR variant (3), non-coding transcript variant (4).
Genome position (GRCh38, 1-based): chr12:6,445,517, C>T. VCF-style: chr12-6445517-C-T. GRCh37 (hg19) VCF-style: chr12-6554683-C-T.
Other names: c.230C>T, p.Thr77Ile (NM_001413263.1, NM_001413264.1, NM_001413265.1); c.-221C>T (NM_001413266.1, NM_001413268.1); c.-309C>T (NM_001413267.1); short protein forms T77I.
Identifiers: ClinVar variation 4747917 (VCV004747917.1).